The following is an entry in ClinVar:

ClinVar aggregate classification (germline): Likely benign (1 of 4 stars; one submission).

Submission:

CeGaT Center for Human Genetics Tuebingen
Classification: Likely benign. Last evaluated: 2026-05-01. Review status: criteria provided, single submitter. Criteria: CeGaT Center For Human Genetics Tuebingen Variant Classification Criteria Version 2. Collection method: clinical testing. Allele origin: germline. Affected: yes. Observed: 1 variant allele.
Comment: COASY: PM2:Supporting, BP4, BP7

NM_025233.7(COASY):c.777G>A (p.Lys259=)

Gene: COASY (Coenzyme A synthase; plus strand). Cytogenetic location: 17q21.2.
Variant type: single nucleotide variant.
Coding change: c.777G>A on transcript NM_025233.7 (MANE Select); coding-DNA position 777, G replaced by A.
Protein change: p.Lys259=; no amino-acid change (lysine 259 retained).
Molecular consequence: synonymous variant.
Genome position (GRCh38, 1-based): chr17:42,564,037, G>A. VCF-style: chr17-42564037-G-A. GRCh37 (hg19) VCF-style: chr17-40716055-G-A.
Other names: c.777G>A, p.Lys259= (NM_001042529.3); c.864G>A, p.Lys288= (NM_001042532.4).
Identifiers: ClinVar variation 4874402 (VCV004874402.2).